The following is an entry in ClinVar:

NM_001165963.4(SCN1A):c.3569A>G (p.Lys1190Arg)

Genes: SCN1A (sodium voltage-gated channel alpha subunit 1; minus strand), LOC102724058 (uncharacterized LOC102724058; plus strand). Cytogenetic location: 2q24.3.
Variant type: single nucleotide variant.
Coding change: c.3569A>G on transcript NM_001165963.4 (MANE Select); coding-DNA position 3569, A replaced by G.
Protein change: p.Lys1190Arg; replaces lysine 1190 with arginine.
Molecular consequence: missense variant. On other transcripts: non-coding transcript variant (1).
Genome position (GRCh38, 1-based): chr2:166,013,880, T>C on the plus strand (A>G on the coding strand, the complement: SCN1A is on the minus strand). VCF-style: chr2-166013880-T-C. GRCh37 (hg19) VCF-style: chr2-166870390-T-C.
Other names: c.3485A>G, p.Lys1162Arg (NM_001165964.3, NM_001353957.2, NM_001353958.2); c.3569A>G, p.Lys1190Arg (NM_001202435.3, NM_001353948.2); c.3536A>G, p.Lys1179Arg (NM_001353949.2, NM_001353950.2, NM_001353951.2 and 2 more transcripts); c.3533A>G, p.Lys1178Arg (NM_001353954.2, NM_001353955.2); c.3482A>G, p.Lys1161Arg (NM_001353960.2); c.1127A>G, p.Lys376Arg (NM_001353961.2); short protein forms K1161R, K1190R, K376R, K1179R, K1162R, K1178R.
Identifiers: ClinVar variation 5009378 (VCV005009378.1).

ClinVar aggregate classification (germline): Uncertain significance (1 of 4 stars; one submission).

Submission:

GeneDx
Classification: Uncertain significance. Last evaluated: 2026-03-17. Review status: criteria provided, single submitter. Criteria: GeneDx Variant Classification Process June 2021. Collection method: clinical testing. Allele origin: germline.
Comment: Not observed at significant frequency in large population cohorts (gnomAD); In silico analysis suggests that this missense variant does not alter protein structure/function; Has not been previously published as pathogenic or benign to our knowledge; This substitution is predicted to be within the cytoplasmic loop between the second and third homologous domains